The following is an entry in ClinVar:

NM_001271.4(CHD2):c.3318_3320delinsTGATGATGACAAGAAGTGTCATCTGCTTCTGAGAGTGAAACGGATC (p.Glu1106fs)

Gene: CHD2 (chromodomain helicase DNA binding protein 2; plus strand). Cytogenetic location: 15q26.1.
Variant type: Indel.
Coding change: c.3318_3320delinsTGATGATGACAAGAAGTGTCATCTGCTTCTGAGAGTGAAACGGATC on transcript NM_001271.4 (MANE Select); coding-DNA positions 3318 to 3320, the reference bases replaced by an inserted sequence.
Protein change: p.Glu1106fs; shifts the reading frame from glutamic acid 1106.
Molecular consequence: frameshift variant.
Genome position (GRCh38, 1-based): chr15:92,985,578-92,985,580, 3 bases replaced. GRCh37 (hg19): chr15:93,528,808-93,528,810.
Other names: short protein forms E1106fs.
Identifiers: ClinVar variation 524139 (VCV000524139.2), dbSNP rs1555443477, ClinGen allele CA658798443.

ClinVar aggregate classification (germline): Likely pathogenic (1 of 4 stars; one submission).

Submission:

GeneDx
Classification: Likely pathogenic. Last evaluated: 2018-04-19. Review status: criteria provided, single submitter. Criteria: GeneDx Variant Classification (06012015). Collection method: clinical testing. Allele origin: germline. Affected: yes.
Comment: A variant that is likely pathogenic has been identified in the CHD2 gene. The c.3318_3320delAGAins46 variant has not been published as a pathogenic variant, nor has it been reported as a benign variant to our knowledge. The c.3318_3320delAGAins46 variant causes a frameshift starting with codon Glutamic acid 1106, changes this amino acid to an Aspartic acid residue and creates a premature Stop codon at position 18 of the new reading frame, denoted p.Glu1106AspfsX18. This variant is predicted to cause loss of normal protein function either through protein truncation or nonsense-mediated mRNA decay. Furthermore, the c.3318_3320delAGAins46 variant is not observed in large population cohorts (Lek et al., 2016). Additionally, frameshift variants downstream of this residue have been reported in the Human Gene Mutation Database in individuals with CHD2-related disorders (Stenson et al., 2014). Therefore, this variant is likely pathogenic; however, the possibility that it is benign cannot be excluded.